The following is an entry in ClinVar:

NM_001365999.1(SZT2):c.7364A>G (p.Asp2455Gly)

Gene: SZT2 (SZT2 subunit of KICSTOR complex; plus strand). Cytogenetic location: 1p34.2.
Variant type: single nucleotide variant.
Coding change: c.7364A>G on transcript NM_001365999.1 (MANE Select); coding-DNA position 7364, A replaced by G.
Protein change: p.Asp2455Gly; replaces aspartic acid 2455 with glycine.
Molecular consequence: missense variant.
Genome position (GRCh38, 1-based): chr1:43,441,233, A>G. VCF-style: chr1-43441233-A-G. GRCh37 (hg19) VCF-style: chr1-43906904-A-G.
Other names: c.7193A>G, p.Asp2398Gly (NM_015284.4); short protein forms D2455G, D2398G.
Identifiers: ClinVar variation 1045270 (VCV001045270.8), dbSNP rs1655026058, ClinGen allele CA340034543.

ClinVar aggregate classification (germline): Uncertain significance (1 of 4 stars; one submission).

Submission:

Labcorp Genetics (formerly Invitae), Labcorp
Classification: Uncertain significance. Last evaluated: 2020-03-23. Review status: criteria provided, single submitter. Criteria: Invitae Variant Classification Sherloc (09022015). Collection method: clinical testing. Allele origin: germline.
Comment: This variant is not present in population databases (ExAC no frequency). This variant has not been reported in the literature in individuals with SZT2-related conditions. Algorithms developed to predict the effect of missense changes on protein structure and function (SIFT, PolyPhen-2, Align-GVGD) all suggest that this variant is likely to be disruptive, but these predictions have not been confirmed by published functional studies and their clinical significance is uncertain. This sequence change replaces aspartic acid with glycine at codon 2398 of the SZT2 protein (p.Asp2398Gly). The aspartic acid residue is highly conserved and there is a moderate physicochemical difference between aspartic acid and glycine. In summary, the available evidence is currently insufficient to determine the role of this variant in disease. Therefore, it has been classified as a Variant of Uncertain Significance.